The following is an entry in ClinVar:

NM_000383.4(AIRE):c.979C>A (p.Leu327Ile)

Gene: AIRE (autoimmune regulator; plus strand). Cytogenetic location: 21q22.3.
Variant type: single nucleotide variant.
Coding change: c.979C>A on transcript NM_000383.4 (MANE Select); coding-DNA position 979, C replaced by A.
Protein change: p.Leu327Ile; replaces leucine 327 with isoleucine.
Molecular consequence: missense variant.
Genome position (GRCh38, 1-based): chr21:44,291,194, C>A. VCF-style: chr21-44291194-C-A. GRCh37 (hg19) VCF-style: chr21-45711077-C-A.
Other names: short protein forms L327I.
Identifiers: ClinVar variation 1418411 (VCV001418411.5), dbSNP rs1029648118, ClinGen allele CA321793983.
Genomic context (GRCh38, chr21:44,291,194, plus strand): 5'-GAGCTCATCTGCTGTGACGGCTGCCCTCGGGCCTTCCACCTGGCCTGCCTGTCCCCTCCG[C>A]TCCGGGAGATCCCCAGGTGAGCCTGCACCTCTGCCAGCGCAACCAGGCCACCCCGGTTCA-3'
Protein context (NP_000374.1, residues 317-337): AFHLACLSPP[Leu327Ile]REIPSGTWRC

ClinVar aggregate classification (germline): Uncertain significance (1 of 4 stars; one submission).

Conditions:
Polyglandular autoimmune syndrome, type 1 (APS1). Also called: AUTOIMMUNE POLYENDOCRINE SYNDROME, TYPE I, WITH OR WITHOUT REVERSIBLE METAPHYSEAL DYSPLASIA; APS I; PGA I; Autoimmune polyendocrine syndrome type 1; Autoimmune polyendocrinopathy syndrome, type I; Whitaker syndrome. Identifiers: Orphanet 3453, MedGen C0085859, MONDO:0009411, OMIM 240300.

Allele frequency attached by ClinVar (database versions not stated): gnomAD exomes 0.00001; TOPMed 0.00002; gnomAD 0.00003.
gnomAD v4.1: 143 of 1,603,308 alleles (0.0089%); highest among the groups gnomAD compares: Non-Finnish European, 0.012%; no homozygotes.

Submission:

Labcorp Genetics (formerly Invitae), Labcorp
Classification: Uncertain significance for Polyglandular autoimmune syndrome, type 1. Last evaluated: 2021-09-01. Review status: criteria provided, single submitter. Criteria: Invitae Variant Classification Sherloc (09022015). Collection method: clinical testing. Allele origin: germline.
Comment: This sequence change replaces leucine with isoleucine at codon 327 of the AIRE protein (p.Leu327Ile). The leucine residue is highly conserved and there is a small physicochemical difference between leucine and isoleucine. This variant is not present in population databases (ExAC no frequency). This variant has not been reported in the literature in individuals affected with AIRE-related conditions. Algorithms developed to predict the effect of missense changes on protein structure and function are either unavailable or do not agree on the potential impact of this missense change (SIFT: "Deleterious"; PolyPhen-2: "Probably Damaging"; Align-GVGD: "Class C0"). In summary, the available evidence is currently insufficient to determine the role of this variant in disease. Therefore, it has been classified as a Variant of Uncertain Significance.